The following is an entry in ClinVar:

ClinVar aggregate classification (germline): Likely benign (1 of 4 stars; one submission).

Conditions:
LMX1A-related disorder. Also called: LMX1A-related condition.

gnomAD v4.1: 159 of 1,613,924 alleles (0.0099%); highest among the groups gnomAD compares: Admixed American, 0.1%; 1 homozygote.

Submission:

PreventionGenetics, part of Exact Sciences
Classification: Likely benign for LMX1A-related condition. Last evaluated: 2025-09-10. Review status: criteria provided, single submitter. Criteria: ACMG Guidelines, 2015. Collection method: clinical testing. Allele origin: germline.
Comment: This variant is classified as likely benign based on ACMG/AMP sequence variant interpretation guidelines (Richards et al. 2015 PMID: 25741868, with internal and published modifications).

NM_177398.4(LMX1A):c.259G>C (p.Glu87Gln)

Gene: LMX1A (LIM homeobox transcription factor 1 alpha; minus strand). Cytogenetic location: 1q23.3.
Variant type: single nucleotide variant.
Coding change: c.259G>C on transcript NM_177398.4 (MANE Select); coding-DNA position 259, G replaced by C.
Protein change: p.Glu87Gln; replaces glutamic acid 87 with glutamine.
Molecular consequence: missense variant.
Genome position (GRCh38, 1-based): chr1:165,353,080, C>G on the plus strand (G>C on the coding strand, the complement: LMX1A is on the minus strand). VCF-style: chr1-165353080-C-G. GRCh37 (hg19) VCF-style: chr1-165322317-C-G.
Other names: c.259G>C, p.Glu87Gln (NM_001174069.2); short protein forms E87Q.
Identifiers: ClinVar variation 4989054 (VCV004989054.1).